The following is an entry in ClinVar:

NM_001378454.1(ALMS1):c.11759A>G (p.Glu3920Gly)

Gene: ALMS1 (ALMS1 centrosome and basal body associated protein; plus strand). Cytogenetic location: 2p13.1.
Variant type: single nucleotide variant.
Coding change: c.11759A>G on transcript NM_001378454.1 (MANE Select); coding-DNA position 11759, A replaced by G.
Protein change: p.Glu3920Gly; replaces glutamic acid 3920 with glycine.
Molecular consequence: missense variant.
Genome position (GRCh38, 1-based): chr2:73,600,768, A>G. VCF-style: chr2-73600768-A-G. GRCh37 (hg19) VCF-style: chr2-73827895-A-G.
Other names: c.11762A>G, p.Glu3921Gly (NM_015120.4); short protein forms E3920G, E3921G.
Identifiers: ClinVar variation 3059751 (VCV003059751.1), dbSNP rs2466520152, ClinGen allele CA347264359.

ClinVar aggregate classification (germline): Likely benign (1 of 4 stars; one submission).

Conditions:
ALMS1-related disorder. Also called: ALMS1-related condition.

Submission:

PreventionGenetics, part of Exact Sciences
Classification: Likely benign for ALMS1-related condition. Last evaluated: 2019-10-17. Review status: criteria provided, single submitter. Criteria: ACMG Guidelines, 2015. Collection method: clinical testing. Allele origin: germline.
Comment: This variant is classified as likely benign based on ACMG/AMP sequence variant interpretation guidelines (Richards et al. 2015 PMID: 25741868, with internal and published modifications).